The following is an entry in ClinVar:

NM_001110556.2(FLNA):c.6728C>G (p.Ala2243Gly)

Gene: FLNA (filamin A; minus strand). Cytogenetic location: Xq28.
Variant type: single nucleotide variant.
Coding change: c.6728C>G on transcript NM_001110556.2 (MANE Select); coding-DNA position 6728, C replaced by G.
Protein change: p.Ala2243Gly; replaces alanine 2243 with glycine.
Molecular consequence: missense variant.
Genome position (GRCh38, 1-based): chrX:154,352,222, G>C on the plus strand (C>G on the coding strand, the complement: FLNA is on the minus strand). VCF-style: chrX-154352222-G-C. GRCh37 (hg19) VCF-style: chrX-153580590-G-C.
Other names: p.Ala2235Gly; c.6728C>G (NM_001110556.1); c.6704C>G, p.Ala2235Gly (NM_001456.4); short protein forms A2235G, A2243G.
Identifiers: ClinVar variation 533584 (VCV000533584.18), dbSNP rs953454766, ClinGen allele CA337274538.

ClinVar aggregate classification (germline): Conflicting classifications of pathogenicity. Review status: criteria provided, conflicting classifications (1 of 4 stars). 6 submissions from 6 submitters: Uncertain significance (5); Likely benign (1). Last evaluated 2025-12-30.

Conditions:
Melnick-Needles syndrome (MNS). Also called: MELNICK-NEEDLES OSTEODYSPLASTY; Melnick-Needles Syndrome (FLNA-MNS); OSTEODYSPLASTY OF MELNICK AND NEEDLES. Identifiers: Orphanet 2484, MedGen C0025237, MONDO:0010650, OMIM 309350.
Frontometaphyseal dysplasia (FMD1). Identifiers: Orphanet 1826, MedGen C0265293, MONDO:0015942.
Heterotopia, periventricular, X-linked dominant (PVNH1). Also called: PERIVENTRICULAR NODULAR HETEROTOPIA 4; HETEROTOPIA, PERIVENTRICULAR, 1; PERIVENTRICULAR NODULAR HETEROTOPIA 1; X-linked periventricular heterotopia. Identifiers: Orphanet 2149, Orphanet 82004, MedGen C1848213, MONDO:0010233, OMIM 300049.
Oto-palato-digital syndrome, type II (OPD2). Also called: Otopalatodigital Syndrome Type 2 (FLNA-OPD2); FACIOPALATOOSSEOUS SYNDROME; OPD II SYNDROME; Otopalatodigital Syndrome, Type II. Identifiers: Orphanet 669, Orphanet 90652, MedGen C1844696, MONDO:0010571, OMIM 304120.
Familial thoracic aortic aneurysm and aortic dissection (TAAD). Also called: Thoracic aortic aneurysms and dissections. Identifiers: Orphanet 91387, MedGen C4707243, MONDO:0019625.
Cardiac valvular dysplasia, X-linked (CVDPX). Also called: MYXOMATOUS VALVULAR DYSTROPHY, X-LINKED; FLNA-Related X-linked Cardiac Valvular Dysplasia; VALVULAR HEART DISEASE, CONGENITAL; Congenital valvular dysplasia; Isolated X-Linked Cardiac Valvular Dysplasia. Identifiers: Orphanet 1864, Orphanet 555877, Orphanet 75497, MedGen C0262436, MONDO:0010753, OMIM 314400.

Allele frequency attached by ClinVar (database versions not stated): gnomAD 0.00002 and 0.00003; gnomAD exomes 0.00003; TOPMed 0.00003.
gnomAD v4.1: 29 of 1,209,939 alleles (0.0024%); highest among the groups gnomAD compares: Middle Eastern, 0.024%; no homozygotes.

Submissions (6):

Labcorp Genetics (formerly Invitae), Labcorp
Classification: Likely benign for Oto-palato-digital syndrome, type II; Heterotopia, periventricular, X-linked dominant; Frontometaphyseal dysplasia; Melnick-Needles syndrome. Last evaluated: 2025-12-30. Review status: criteria provided, single submitter. Criteria: Invitae Variant Classification Sherloc (09022015). Collection method: clinical testing. Allele origin: germline.

GeneDx
Classification: Uncertain significance. Last evaluated: 2025-09-25. Review status: criteria provided, single submitter. Criteria: GeneDx Variant Classification Process June 2021. Collection method: clinical testing. Allele origin: germline. Affected: yes.
Comment: Has not been previously published as pathogenic or benign to our knowledge; In silico analysis supports that this missense variant has a deleterious effect on protein structure/function

Mayo Clinic Laboratories, Mayo Clinic
Classification: Uncertain significance. Last evaluated: 2024-09-09. Review status: criteria provided, single submitter. Criteria: ACMG Guidelines, 2015. Collection method: clinical testing. Allele origin: germline. Observed: 1 variant allele.
Comment: PP2, PP3, PM2

Ambry Genetics
Classification: Uncertain significance for Familial thoracic aortic aneurysm and aortic dissection. Last evaluated: 2023-11-27. Review status: criteria provided, single submitter. Criteria: Ambry Variant Classification Scheme 2023. Collection method: clinical testing. Allele origin: germline.
Comment: The p.A2235G variant (also known as c.6704C>G), located in coding exon 39 of the FLNA gene, results from a C to G substitution at nucleotide position 6704. The alanine at codon 2235 is replaced by glycine, an amino acid with similar properties. Based on data from gnomAD, the G allele has an overall frequency of 0.0028% (5/178508) total alleles studied, with 1 hemizygote(s) observed. The highest observed frequency was 0.0050% (4/79320) of European (non-Finnish) alleles. This amino acid position is highly conserved in available vertebrate species. In addition, this alteration is predicted to be deleterious by in silico analysis. Since supporting evidence is limited at this time, the clinical significance of this alteration remains unclear.

Women's Health and Genetics/Laboratory Corporation of America, LabCorp
Classification: Uncertain significance. Last evaluated: 2023-09-19. Review status: criteria provided, single submitter. Criteria: LabCorp Variant Classification Summary - May 2015. Collection method: clinical testing. Allele origin: germline.
Comment: Variant summary: FLNA c.6728C>G (p.Ala2243Gly) results in a non-conservative amino acid change in the encoded protein sequence. Five of five in-silico tools predict a damaging effect of the variant on protein function. The variant allele was found at a frequency of 2.8e-05 in 178508 control chromosomes (gnomAD). The available data on variant occurrences in the general population are insufficient to allow any conclusion about variant significance. To our knowledge, no occurrence of c.6728C>G in individuals affected with Periventricular Nodular Heterotopia 1 and no experimental evidence demonstrating its impact on protein function have been reported. Three submitters have cited clinical-significance assessments for this variant to ClinVar after 2014 and classified the variant as VUS (n=2) and likely benign (n=1). Based on the evidence outlined above, the variant was classified as uncertain significance.

Victorian Clinical Genetics Services, Murdoch Childrens Research Institute
Classification: Uncertain significance for Cardiac valvular dysplasia, X-linked. Last evaluated: 2020-06-11. Review status: criteria provided, single submitter. Criteria: ACMG Guidelines, 2015. Collection method: clinical testing. Allele origin: germline.
Comment: Based on the classification scheme VCGS_Germline_v1.1.1, this variant is classified as 3C-VUS. Following criteria are met: 0103 - Both loss- and gain-of-function are known mechanisms of disease for this gene. Cardiac valvular dysplasia is caused by loss-of-function (PMID: 30089473). (N) 0109 - This gene is known to be associated with X-linked dominant and recessive disease (OMIM). (N) 0200 - Variant is predicted to result in a missense amino acid change from alanine to glycine (exon 41). (N) 0251 - Variant is heterozygous. (N) 0304 - Variant is present in gnomAD <0.01 (5 heterozygotes, 1 hemizygote, 0 homozygotes). (P) 0501 - Missense variant consistently predicted to be damaging by multiple in silico tools or highly conserved with a major amino acid change. (P) 0600 - Variant is located in an annotated domain or motif (filamin-type immunoglobulin domain; NCBI). (N) 0705 - No comparable variants have previous evidence for pathogenicity. (N) 0808 - Previous reports of pathogenicity are inconclusive. This variant has been reported as a VUS (ClinVar). (N) 0905 - No segregation evidence has been identified for this variant. (N) 1007 - No published functional evidence has been identified for this variant. (N) 1208 - Inheritance information for this variant is not currently available. (N) Legend: (P) - Pathogenic, (N) - Neutral, (B) - Benign

Literature cited by the submitters: PubMed 30089473 (cited by Victorian Clinical Genetics Services, Murdoch Childrens Research Institute).